The following is an entry in ClinVar:

NM_014588.6(VSX1):c.412G>A (p.Val138Ile)

Gene: VSX1 (visual system homeobox 1; minus strand). Cytogenetic location: 20p11.21.
Variant type: single nucleotide variant.
Coding change: c.412G>A on transcript NM_014588.6 (MANE Select); coding-DNA position 412, G replaced by A.
Protein change: p.Val138Ile; replaces valine 138 with isoleucine.
Molecular consequence: missense variant. On other transcripts: non-coding transcript variant (2).
Genome position (GRCh38, 1-based): chr20:25,081,685, C>T on the plus strand (G>A on the coding strand, the complement: VSX1 is on the minus strand). VCF-style: chr20-25081685-C-T. GRCh37 (hg19) VCF-style: chr20-25062321-C-T.
Other names: c.412G>A, p.Val138Ile (NM_001256271.2, NM_001256272.2, NM_199425.3); short protein forms V138I.
Identifiers: ClinVar variation 932305 (VCV000932305.3), dbSNP rs111722263, ClinGen allele CA408435827.

ClinVar aggregate classification (germline): Benign (1 of 4 stars; one submission).

Conditions:
Craniofacial anomalies and anterior segment dysgenesis syndrome (CAASDS). Identifiers: MedGen C3280099, MONDO:0013618, OMIM 614195.

Allele frequency attached by ClinVar (database versions not stated): gnomAD exomes below 0.00001; TOPMed 0.00001.
gnomAD v4.1: 1 of 1,515,478 alleles (0.000066%); highest among the groups gnomAD compares: Non-Finnish European, 0.000088%; no homozygotes.

Submission:

Breda Genetics srl
Classification: Benign for Craniofacial anomalies and anterior segment dysgenesis syndrome. Last evaluated: 2020-04-21. Review status: criteria provided, single submitter. Criteria: ACMG Guidelines, 2015. Collection method: clinical testing. Allele origin: inherited. Inheritance: Autosomal dominant inheritance. Affected: yes. Observed: 1 variant allele, 1 heterozygote.
Comment: We have detected a heterozygous variant in exon 1 of the VSX1 gene, c.412G>A (p.Val138Ile), rs111722263, reference transcript NM_014588.5. This variant has not been reported in gnomAD, 1000 Genomes, NHLI Exome Sequencing Project (ESP) or ClinVar. The nucleotide position is moderately conserved across 35 mammalian species (GERP RS: 3.18). In silico analysis indicates that the variant might be neutral. Based on the segregation analysis of this variant, we interpret it as benign.